The following is an entry in ClinVar:

NM_030777.4(SLC2A10):c.1598G>A (p.Ser533Asn)

Gene: SLC2A10 (solute carrier family 2 member 10; plus strand). Cytogenetic location: 20q13.12.
Variant type: single nucleotide variant.
Coding change: c.1598G>A on transcript NM_030777.4 (MANE Select); coding-DNA position 1598, G replaced by A.
Protein change: p.Ser533Asn; replaces serine 533 with asparagine.
Molecular consequence: missense variant.
Genome position (GRCh38, 1-based): chr20:46,733,806, G>A. VCF-style: chr20-46733806-G-A. GRCh37 (hg19) VCF-style: chr20-45362445-G-A.
Other names: short protein forms S533N.
Identifiers: ClinVar variation 4864603 (VCV004864603.1).

ClinVar aggregate classification (germline): Uncertain significance (1 of 4 stars; one submission).

Conditions:
Familial thoracic aortic aneurysm and aortic dissection (TAAD). Also called: Thoracic aortic aneurysms and dissections. Identifiers: Orphanet 91387, MedGen C4707243, MONDO:0019625.

Submission:

Ambry Genetics
Classification: Uncertain significance for Familial thoracic aortic aneurysm and aortic dissection. Last evaluated: 2026-06-09. Review status: criteria provided, single submitter. Criteria: Ambry Variant Classification Scheme 2023. Collection method: clinical testing. Allele origin: germline.
Comment: The p.S533N variant (also known as c.1598G>A), located in coding exon 5 of the SLC2A10 gene, results from a G to A substitution at nucleotide position 1598. The serine at codon 533 is replaced by asparagine, an amino acid with highly similar properties. This amino acid position is conserved. In addition, this alteration is predicted to be tolerated by in silico analysis. Based on the available evidence, the clinical significance of this variant remains unclear.